The following is an entry in ClinVar:

NM_006904.7(PRKDC):c.8202G>T (p.Arg2734Ser)

Gene: PRKDC (protein kinase, DNA-activated, catalytic subunit; minus strand). Cytogenetic location: 8q11.21.
Variant type: single nucleotide variant.
Coding change: c.8202G>T on transcript NM_006904.7 (MANE Select); coding-DNA position 8202, G replaced by T.
Protein change: p.Arg2734Ser; replaces arginine 2734 with serine.
Molecular consequence: missense variant.
Genome position (GRCh38, 1-based): chr8:47,831,877, C>A on the plus strand (G>T on the coding strand, the complement: PRKDC is on the minus strand). VCF-style: chr8-47831877-C-A. GRCh37 (hg19) VCF-style: chr8-48744438-C-A.
Other names: c.8202G>T, p.Arg2734Ser (NM_001081640.2); short protein forms R2734S.
Identifiers: ClinVar variation 1762449 (VCV001762449.2), dbSNP rs2551866810, ClinGen allele CA371147716.

ClinVar aggregate classification (germline): Uncertain significance (1 of 4 stars; one submission).

Allele frequency attached by ClinVar (database versions not stated): gnomAD exomes below 0.00001.
gnomAD v4.1: 1 of 1,613,978 alleles (0.000062%); highest among the groups gnomAD compares: Non-Finnish European, 0.000085%; no homozygotes.

Submission:

Ambry Genetics
Classification: Uncertain significance. Last evaluated: 2022-04-24. Review status: criteria provided, single submitter. Criteria: Ambry Variant Classification Scheme 2023. Collection method: clinical testing. Allele origin: germline.
Comment: The p.R2734S variant (also known as c.8202G>T), located in coding exon 60 of the PRKDC gene, results from a G to T substitution at nucleotide position 8202. The arginine at codon 2734 is replaced by serine, an amino acid with dissimilar properties. This amino acid position is conserved. In addition, the in silico prediction for this alteration is inconclusive. Since supporting evidence is limited at this time, the clinical significance of this alteration remains unclear.